The following is an entry in ClinVar:

ClinVar aggregate classification (germline): Uncertain significance (1 of 4 stars; one submission).

Conditions:
VPS13B-related disorder. Also called: VPS13B-related condition.

Submission:

PreventionGenetics, part of Exact Sciences
Classification: Uncertain significance for VPS13B-related condition. Last evaluated: 2025-12-23. Review status: criteria provided, single submitter. Criteria: ACMG Guidelines, 2015. Collection method: clinical testing. Allele origin: germline.
Comment: The VPS13B c.7765C>G variant is predicted to result in the amino acid substitution p.Gln2589Glu. To our knowledge, this variant has not been reported in the literature or in a large population database (gnomAD), indicating this variant is rare. At this time, the clinical significance of this variant is uncertain due to the absence of conclusive functional and genetic evidence.

NM_152564.5(VPS13B):c.7765C>G (p.Gln2589Glu)

Gene: VPS13B (vacuolar protein sorting 13 homolog B; plus strand). Cytogenetic location: 8q22.2.
Variant type: single nucleotide variant.
Coding change: c.7765C>G on transcript NM_152564.5 (MANE Select); coding-DNA position 7765, C replaced by G.
Protein change: p.Gln2589Glu; replaces glutamine 2589 with glutamic acid.
Molecular consequence: missense variant.
Genome position (GRCh38, 1-based): chr8:99,779,017, C>G. VCF-style: chr8-99779017-C-G. GRCh37 (hg19) VCF-style: chr8-100791245-C-G.
Other names: c.7840C>G, p.Gln2614Glu (NM_017890.5); short protein forms Q2589E, Q2614E.
Identifiers: ClinVar variation 4978636 (VCV004978636.1).